The following is an entry in ClinVar:

ClinVar aggregate classification (germline): Uncertain significance (1 of 4 stars; one submission).

Allele frequency attached by ClinVar (database versions not stated): gnomAD 0.00001; gnomAD exomes 0.00001; TOPMed 0.00001.
gnomAD v4.1: 13 of 1,612,126 alleles (0.00081%); highest among the groups gnomAD compares: African/African-American, 0.004%; no homozygotes.

Submission:

Labcorp Genetics (formerly Invitae), Labcorp
Classification: Uncertain significance. Last evaluated: 2024-09-23. Review status: criteria provided, single submitter. Criteria: Invitae Variant Classification Sherloc (09022015). Collection method: clinical testing. Allele origin: germline.
Comment: This sequence change replaces glycine, which is neutral and non-polar, with serine, which is neutral and polar, at codon 223 of the INTU protein (p.Gly223Ser). This variant is present in population databases (rs760071135, gnomAD 0.004%). This variant has not been reported in the literature in individuals affected with INTU-related conditions. ClinVar contains an entry for this variant (Variation ID: 1931255). Invitae Evidence Modeling of protein sequence and biophysical properties (such as structural, functional, and spatial information, amino acid conservation, physicochemical variation, residue mobility, and thermodynamic stability) indicates that this missense variant is not expected to disrupt INTU protein function with a negative predictive value of 80%. In summary, the available evidence is currently insufficient to determine the role of this variant in disease. Therefore, it has been classified as a Variant of Uncertain Significance.

NM_015693.4(INTU):c.667G>A (p.Gly223Ser)

Gene: INTU (inturned planar cell polarity protein; plus strand). Cytogenetic location: 4q28.1.
Variant type: single nucleotide variant.
Coding change: c.667G>A on transcript NM_015693.4 (MANE Select); coding-DNA position 667, G replaced by A.
Protein change: p.Gly223Ser; replaces glycine 223 with serine.
Molecular consequence: missense variant.
Genome position (GRCh38, 1-based): chr4:127,644,041, G>A. VCF-style: chr4-127644041-G-A. GRCh37 (hg19) VCF-style: chr4-128565196-G-A.
Other names: short protein forms G223S.
Identifiers: ClinVar variation 1931255 (VCV001931255.5), dbSNP rs760071135, ClinGen allele CA105646654.
Genomic context (GRCh38, chr4:127,644,041, plus strand): 5'-GGTGATGGAGAGAGGCTTGTGGTTCATGGCCTGCTGCCAGGGGGATCTGCTATGAAGAGC[G>A]GTCAGGTACTCATTGGTAAGTGTTGCTGGTACACATCCATCCCTGTTTACAGAGATCTTG-3'
Protein context (NP_056508.2, residues 213-233): LLPGGSAMKS[Gly223Ser]QVLIGDVLVA